The following is an entry in ClinVar:

ClinVar aggregate classification (germline): Pathogenic (1 of 4 stars; one submission).

Conditions:
Mandibulofacial dysostosis-microcephaly syndrome (MFDGA). Also called: Growth and mental retardation, mandibulofacial dysostosis, microcephaly, and cleft palate; Mandibulofacial dysostosis, Guion-Almeida type. Identifiers: Orphanet 79113, MedGen C1864652, MONDO:0012516, OMIM 610536.

Submission:

Baylor Genetics
Classification: Pathogenic for Mandibulofacial dysostosis-microcephaly syndrome. Last evaluated: 2019-04-11. Review status: criteria provided, single submitter. Criteria: ACMG Guidelines, 2015. Collection method: clinical testing. Allele origin: de novo. Affected: yes.
Comment: This variant was determined to be pathogenic according to ACMG Guidelines, 2015 [PMID:25741868].

NM_004247.4(EFTUD2):c.378del (p.Glu127fs)

Gene: EFTUD2 (elongation factor Tu GTP binding domain containing 2; minus strand). Cytogenetic location: 17q21.31.
Variant type: Deletion.
Coding change: c.378del on transcript NM_004247.4 (MANE Select); coding-DNA position 378, one base deleted (A; older notation c.378delA).
Protein change: p.Glu127fs; shifts the reading frame from glutamic acid 127.
Molecular consequence: frameshift variant.
Genome position (GRCh38, 1-based): chr17:44,883,697, T deleted on the plus strand (A on the coding strand, the reverse complement: EFTUD2 is on the minus strand). VCF-style (leftmost placement, unchanged base first): chr17-44883696-CT-C. GRCh37 (hg19) VCF-style: chr17-42961064-CT-C.
Other names: c.273del, p.Glu92fs (NM_001142605.2); c.378del, p.Glu127fs (NM_001258353.2, NM_001258354.2); short protein forms E127fs, E92fs.
Identifiers: ClinVar variation 1029805 (VCV001029805.1), dbSNP rs2051113996, ClinGen allele CA2261599567.